The following is an entry in ClinVar:

ClinVar aggregate classification (germline): Uncertain significance. Review status: criteria provided, multiple submitters, no conflicts (2 of 4 stars). 3 submissions from 3 submitters: Uncertain significance (3). Last evaluated 2022-08-06.

Conditions:
Ellis-van Creveld syndrome (EVC). Also called: EVC-Related Ellis-van Creveld Syndrome; EVC2-Related Ellis-van Creveld Syndrome; MESOECTODERMAL DYSPLASIA; Chondroectodermal dysplasia. Identifiers: Orphanet 289, MedGen C0013903, MONDO:0009162, OMIM 225500.
Curry-Hall syndrome (WAD). Also called: WEYERS ACRODENTAL DYSOSTOSIS. Identifiers: Orphanet 952, MedGen C0457013, MONDO:0008673, OMIM 193530.
Inborn genetic diseases. Identifiers: MedGen C0950123, MeSH D030342.

Allele frequency attached by ClinVar (database versions not stated): TOPMed 0.00003; gnomAD 0.00004 and 0.00005; gnomAD exomes 0.00006; ExAC 0.00007; ESP Exome Variant Server 0.00008; 1000 Genomes Project 0.00020; 1000 Genomes Project 30x 0.00031.
gnomAD v4.1: 111 of 1,614,100 alleles (0.0069%); highest among the groups gnomAD compares: South Asian, 0.032%; no homozygotes.

Submissions (3):

Labcorp Genetics (formerly Invitae), Labcorp
Classification: Uncertain significance for Curry-Hall syndrome; Ellis-van Creveld syndrome. Last evaluated: 2022-08-06. Review status: criteria provided, single submitter. Criteria: Invitae Variant Classification Sherloc (09022015). Collection method: clinical testing. Allele origin: germline.
Comment: This sequence change replaces proline, which is neutral and non-polar, with leucine, which is neutral and non-polar, at codon 152 of the EVC protein (p.Pro152Leu). This variant is present in population databases (rs371671127, gnomAD 0.03%). This variant has not been reported in the literature in individuals affected with EVC-related conditions. ClinVar contains an entry for this variant (Variation ID: 907532). Algorithms developed to predict the effect of missense changes on protein structure and function output the following: SIFT: "Tolerated"; PolyPhen-2: "Benign"; Align-GVGD: "Class C0". The leucine amino acid residue is found in multiple mammalian species, which suggests that this missense change does not adversely affect protein function. In summary, the available evidence is currently insufficient to determine the role of this variant in disease. Therefore, it has been classified as a Variant of Uncertain Significance.

Ambry Genetics
Classification: Uncertain significance for Inborn genetic diseases. Last evaluated: 2021-08-13. Review status: criteria provided, single submitter. Criteria: Ambry Variant Classification Scheme 2023. Collection method: clinical testing. Allele origin: germline.

Illumina Laboratory Services, Illumina
Classification: Uncertain significance for Ellis-van Creveld syndrome. Last evaluated: 2018-01-12. Review status: criteria provided, single submitter. Criteria: ICSL Variant Classification Criteria 13 December 2019. Collection method: clinical testing. Allele origin: germline.

NM_153717.3(EVC):c.455C>T (p.Pro152Leu)

Gene: EVC (EvC ciliary complex subunit 1; plus strand). Cytogenetic location: 4p16.2.
Variant type: single nucleotide variant.
Coding change: c.455C>T on transcript NM_153717.3 (MANE Select); coding-DNA position 455, C replaced by T.
Protein change: p.Pro152Leu; replaces proline 152 with leucine.
Molecular consequence: missense variant.
Genome position (GRCh38, 1-based): chr4:5,731,495, C>T. VCF-style: chr4-5731495-C-T. GRCh37 (hg19) VCF-style: chr4-5733222-C-T.
Other names: c.455C>T, p.Pro152Leu (NM_001306090.2, NM_001306092.2); short protein forms P152L.
Identifiers: ClinVar variation 907532 (VCV000907532.6), dbSNP rs371671127, ClinGen allele CA2835708.
Genomic context (GRCh38, chr4:5,731,495, plus strand): 5'-ATGGCTCCTCCAACCCGTCTCTGCATGAAAACTTAAAGCAGGCTGTTTTGCCACACCAGC[C>T]GGTAGAGGCCTCTCCTTCCAGCAGTCTGGGGAGCCTGAGCCAGGGTGAGAAGGACGACTG-3'
Protein context (NP_714928.1, residues 142-162): NLKQAVLPHQ[Pro152Leu]VEASPSSSLG